The following is an entry in ClinVar:

ClinVar aggregate classification (germline): Uncertain significance (0 of 4 stars; one submission).

Submission:

Martin Pollak Laboratory,  Beth Israel Deaconess Medical Center
Classification: Uncertain significance. Review status: no assertion criteria provided. Collection method: not provided. Allele origin: unknown.
Comment: Lower UCa2+ group
ClinVar note: Converted during submission from unknown to Uncertain significance.

NM_000316.3(PTH1R):c.124C>T (p.His42Tyr)

Gene: PTH1R (parathyroid hormone 1 receptor; plus strand). Cytogenetic location: 3p21.31.
Variant type: single nucleotide variant.
Coding change: c.124C>T on transcript NM_000316.3 (MANE Select); coding-DNA position 124, C replaced by T.
Protein change: p.His42Tyr; replaces histidine 42 with tyrosine.
Molecular consequence: missense variant.
Genome position (GRCh38, 1-based): chr3:46,893,955, C>T. VCF-style: chr3-46893955-C-T. GRCh37 (hg19) VCF-style: chr3-46935445-C-T.
Other names: c.124C>T, p.His42Tyr (NM_001184744.1); short protein forms H42Y.
Identifiers: ClinVar variation 64397 (VCV000064397.2), dbSNP rs387907458, ClinGen allele CA216056.